The following is an entry in ClinVar:

ClinVar aggregate classification (germline): Uncertain significance. Review status: criteria provided, multiple submitters, no conflicts (2 of 4 stars). 2 submissions from 2 submitters: Uncertain significance (2). Last evaluated 2024-09-23.

Conditions:
Joubert syndrome 8 (JBTS8). Identifiers: Orphanet 475, MedGen C2676771, MONDO:0012855, OMIM 612291.

Submissions (2):

Revvity Omics, Revvity
Classification: Uncertain significance for Joubert syndrome 8. Last evaluated: 2024-09-23. Review status: criteria provided, single submitter. Criteria: ACMG Guidelines, 2015. Collection method: clinical testing. Allele origin: germline.

Labcorp Genetics (formerly Invitae), Labcorp
Classification: Uncertain significance for Joubert syndrome 8. Last evaluated: 2023-08-17. Review status: criteria provided, single submitter. Criteria: Invitae Variant Classification Sherloc (09022015). Collection method: clinical testing. Allele origin: germline.
Comment: ClinVar contains an entry for this variant (Variation ID: 960272). This variant has not been reported in the literature in individuals affected with ARL13B-related conditions. This variant is not present in population databases (gnomAD no frequency). This sequence change replaces arginine, which is basic and polar, with isoleucine, which is neutral and non-polar, at codon 103 of the ARL13B protein (p.Arg103Ile). Advanced modeling of protein sequence and biophysical properties (such as structural, functional, and spatial information, amino acid conservation, physicochemical variation, residue mobility, and thermodynamic stability) performed at Invitae indicates that this missense variant is expected to disrupt ARL13B protein function. In summary, the available evidence is currently insufficient to determine the role of this variant in disease. Therefore, it has been classified as a Variant of Uncertain Significance.

NM_001174150.2(ARL13B):c.308G>T (p.Arg103Ile)

Gene: ARL13B (ARF like GTPase 13B; plus strand). Cytogenetic location: 3q11.2.
Variant type: single nucleotide variant.
Coding change: c.308G>T on transcript NM_001174150.2 (MANE Select); coding-DNA position 308, G replaced by T.
Protein change: p.Arg103Ile; replaces arginine 103 with isoleucine.
Molecular consequence: missense variant. On other transcripts: 5 prime UTR variant (1), intron variant (1).
Genome position (GRCh38, 1-based): chr3:94,003,836, G>T. VCF-style: chr3-94003836-G-T. GRCh37 (hg19) VCF-style: chr3-93722680-G-T.
Other names: c.-2G>T (NM_001174151.2); c.263G>T, p.Arg88Ile (NM_001321328.2); c.308G>T, p.Arg103Ile (NM_001410782.1, NM_182896.3); c.59+23354G>T (NM_144996.4); short protein forms R103I, R88I.
Identifiers: ClinVar variation 960272 (VCV000960272.8), dbSNP rs1025041382, ClinGen allele CA78520121.